The following is an entry in ClinVar:

NM_001005361.3(DNM2):c.1773G>A (p.Thr591=)

Gene: DNM2 (dynamin 2; plus strand). Cytogenetic location: 19p13.2.
Variant type: single nucleotide variant.
Coding change: c.1773G>A on transcript NM_001005361.3 (MANE Select); coding-DNA position 1773, G replaced by A.
Protein change: p.Thr591=; no amino-acid change (threonine 591 retained).
Molecular consequence: synonymous variant.
Genome position (GRCh38, 1-based): chr19:10,820,081, G>A. VCF-style: chr19-10820081-G-A. GRCh37 (hg19) VCF-style: chr19-10930757-G-A.
Other names: c.1773G>A, p.Thr591= (NM_001005360.3, NM_001190716.2); c.1761G>A, p.Thr587= (NM_001005362.3, NM_004945.4).
Identifiers: ClinVar variation 327984 (VCV000327984.17), dbSNP rs201604679, ClinGen allele CA9201388.

ClinVar aggregate classification (germline): Likely benign. Review status: criteria provided, multiple submitters, no conflicts (2 of 4 stars). 5 submissions from 4 submitters: Likely benign (5). Last evaluated 2025-08-15.

Conditions:
Charcot-Marie-Tooth disease dominant intermediate B (CMTDIB). Also called: CHARCOT-MARIE-TOOTH NEUROPATHY, DOMINANT INTERMEDIATE B; Charcot-Marie-Tooth disease dominant intermediate 1; CMT DI1; Charcot-Marie-Tooth disease dominant intermediate I. Identifiers: Orphanet 100044, Orphanet 228179, MedGen C1847902, MONDO:0011674, OMIM 606482.
DNM2-related disorder. Also called: DNM2-related condition.
Inborn genetic diseases. Identifiers: MedGen C0950123, MeSH D030342.
Autosomal dominant centronuclear myopathy. Also called: Myopathy, centronuclear, 3; MYOTUBULAR MYOPATHY, AUTOSOMAL DOMINANT. Identifiers: Orphanet 169189, MedGen C4551952, MeSH D020914, MONDO:0008048, OMIM 160150.

Allele frequency attached by ClinVar (database versions not stated): gnomAD 0.00001; gnomAD exomes 0.00001; ExAC 0.00002; TOPMed 0.00003; ESP Exome Variant Server 0.00008; 1000 Genomes Project 30x 0.00016; 1000 Genomes Project 0.00020.
gnomAD v4.1: 8 of 1,614,164 alleles (0.0005%); highest among the groups gnomAD compares: East Asian, 0.0045%; no homozygotes.

Submissions (5):

PreventionGenetics, part of Exact Sciences
Classification: Likely benign for DNM2-related condition. Last evaluated: 2025-08-15. Review status: criteria provided, single submitter. Criteria: ACMG Guidelines, 2015. Collection method: clinical testing. Allele origin: germline.
Comment: This variant is classified as likely benign based on ACMG/AMP sequence variant interpretation guidelines (Richards et al. 2015 PMID: 25741868, with internal and published modifications).

Labcorp Genetics (formerly Invitae), Labcorp
Classification: Likely benign for Charcot-Marie-Tooth disease dominant intermediate B. Last evaluated: 2023-09-08. Review status: criteria provided, single submitter. Criteria: Invitae Variant Classification Sherloc (09022015). Collection method: clinical testing. Allele origin: germline.

Ambry Genetics
Classification: Likely benign for Inborn genetic diseases. Last evaluated: 2019-07-11. Review status: criteria provided, single submitter. Criteria: Ambry Variant Classification Scheme 2023. Collection method: clinical testing. Allele origin: germline.

Illumina Laboratory Services, Illumina
Classification: Likely benign for Autosomal dominant centronuclear myopathy. Last evaluated: 2018-01-13. Review status: criteria provided, single submitter. Criteria: ICSL Variant Classification Criteria 13 December 2019. Collection method: clinical testing. Allele origin: germline.
Comment: This variant was observed in the ICSL laboratory as part of a predisposition screen in an ostensibly healthy population. It had not been previously curated by ICSL or reported in the Human Gene Mutation Database (HGMD: prior to June 1st, 2018), and was therefore a candidate for classification through an automated scoring system. Utilizing variant allele frequency, disease prevalence and penetrance estimates, and inheritance mode, an automated score was calculated to assess if this variant is too frequent to cause the disease. Based on the score and internal cut-off values, a variant classified as likely benign is not then subjected to further curation. The score for this variant resulted in a classification of likely benign for this disease.

Illumina Laboratory Services, Illumina
Classification: Likely benign for Charcot-Marie-Tooth disease dominant intermediate B. Last evaluated: 2018-01-13. Review status: criteria provided, single submitter. Criteria: ICSL Variant Classification Criteria 13 December 2019. Collection method: clinical testing. Allele origin: germline.
Comment: the same text as in the submission from Illumina Laboratory Services, Illumina above.